The following is an entry in ClinVar:

NM_000528.4(MAN2B1):c.1010G>A (p.Arg337Gln)

Gene: MAN2B1 (mannosidase alpha class 2B member 1; minus strand). Cytogenetic location: 19p13.13.
Variant type: single nucleotide variant.
Coding change: c.1010G>A on transcript NM_000528.4 (MANE Select); coding-DNA position 1010, G replaced by A.
Protein change: p.Arg337Gln; replaces arginine 337 with glutamine.
Molecular consequence: missense variant.
Genome position (GRCh38, 1-based): chr19:12,661,276, C>T on the plus strand (G>A on the coding strand, the complement: MAN2B1 is on the minus strand). VCF-style: chr19-12661276-C-T. GRCh37 (hg19) VCF-style: chr19-12772090-C-T.
Other names: c.1010G>A, p.Arg337Gln (NM_001173498.2); short protein forms R337Q.
Identifiers: ClinVar variation 93207 (VCV000093207.34), dbSNP rs1133330, ClinGen allele CA146743.

ClinVar aggregate classification (germline): Benign. Review status: criteria provided, multiple submitters, no conflicts (2 of 4 stars). 14 submissions from 14 submitters: Benign (9). 5 of the submissions do not count toward it. Last evaluated 2026-02-04.

Conditions:
Deficiency of alpha-mannosidase (MANSA). Also called: Mannosidosis, alpha-, types I and II; LYSOSOMAL ALPHA-D-MANNOSIDASE DEFICIENCY; Alpha-Mannosidosis. Identifiers: Orphanet 61, MedGen C0024748, MONDO:0009561, OMIM 248500.

Allele frequency attached by ClinVar (database versions not stated): 1000 Genomes Project 30x 0.25312; TOPMed 0.33529; 1000 Genomes Project 0.24840; gnomAD 0.34583 and 0.33916; ESP Exome Variant Server 0.36983.
gnomAD v4.1: 573,698 of 1,609,782 alleles (36%); highest among the groups gnomAD compares: Middle Eastern, 43%; 108,154 homozygotes.

Submissions (14):

Labcorp Genetics (formerly Invitae), Labcorp
Classification: Benign for Deficiency of alpha-mannosidase. Last evaluated: 2026-02-04. Review status: criteria provided, single submitter. Criteria: Invitae Variant Classification Sherloc (09022015). Collection method: clinical testing. Allele origin: germline.

Genome-Nilou Lab
Classification: Benign for Deficiency of alpha-mannosidase. Last evaluated: 2021-06-10. Review status: criteria provided, single submitter. Criteria: ACMG Guidelines, 2015. Collection method: clinical testing. Allele origin: germline. Affected: no.

GeneDx
Classification: Benign. Last evaluated: 2018-06-13. Review status: criteria provided, single submitter. Criteria: GeneDx Variant Classification (06012015). Collection method: clinical testing. Allele origin: germline. Affected: yes.
Comment: This variant is considered likely benign or benign based on one or more of the following criteria: it is a conservative change, it occurs at a poorly conserved position in the protein, it is predicted to be benign by multiple in silico algorithms, and/or has population frequency not consistent with disease.

Illumina Laboratory Services, Illumina
Classification: Benign for Deficiency of alpha-mannosidase. Last evaluated: 2018-01-13. Review status: criteria provided, single submitter. Criteria: ICSL Variant Classification Criteria 13 December 2019. Collection method: clinical testing. Allele origin: germline.
Comment: This variant was observed in the ICSL laboratory as part of a predisposition screen in an ostensibly healthy population. It had not been previously curated by ICSL or reported in the Human Gene Mutation Database (HGMD: prior to June 1st, 2018), and was therefore a candidate for classification through an automated scoring system. Utilizing variant allele frequency, disease prevalence and penetrance estimates, and inheritance mode, an automated score was calculated to assess if this variant is too frequent to cause the disease. Based on the score and internal cut-off values, a variant classified as benign is not then subjected to further curation. The score for this variant resulted in a classification of benign for this disease.

Women's Health and Genetics/Laboratory Corporation of America, LabCorp
Classification: Benign. Last evaluated: 2017-11-07. Review status: criteria provided, single submitter. Criteria: LabCorp Variant Classification Summary - May 2015. Collection method: clinical testing. Allele origin: germline.
Comment: Variant summary: The MAN2B1 c.1010G>A (p.Arg337Gln) variant involves the alteration of a non-conserved nucleotide. 4/4 in silico tools predict a benign outcome for this variant (SNPsandGO not captured due to low reliability index). This variant was found in 85845/277142 control chromosomes (30 homozygotes) at a frequency of 0.309751, which is approximately 196 times the estimated maximal expected allele frequency of a pathogenic MAN2B1 variant (0.0015811), suggesting this variant is likely a benign polymorphism. This variant has been reported in affected individuals co-occuring with pathogenic mutations and is listed as polymorphism by authors (Sbaragli_2005). In addition, multiple clinical diagnostic laboratories/reputable databases classified this variant as benign. Taken together, this variant is classified as benign.

Laboratory for Molecular Medicine, Mass General Brigham Personalized Medicine
Classification: Benign. Last evaluated: 2016-03-28. Review status: criteria provided, single submitter. Criteria: LMM Criteria. Collection method: clinical testing. Allele origin: germline.
Comment: Variant identified in a genome or exome case(s) and assessed due to predicted null impact of the variant or pathogenic assertions in the literature or databases. Disclaimer: This variant has not undergone full assessment. The following are preliminary notes: Frequency, ClinVar assertions are B/LB

Eurofins Ntd Llc (ga)
Classification: Benign. Last evaluated: 2015-04-24. Review status: criteria provided, single submitter. Criteria: EGL Classification Definitions 2015. Collection method: clinical testing. Allele origin: germline. Observed: 21 variant alleles, 8 heterozygotes, 13 homozygotes.

Breakthrough Genomics
Classification: Benign. Review status: criteria provided, single submitter. Criteria: ACMG Guidelines, 2015. Collection method: not provided. Allele origin: germline. Inheritance: Autosomal recessive inheritance. Affected: yes.

PreventionGenetics, part of Exact Sciences
Classification: Benign. Review status: criteria provided, single submitter. Criteria: ACMG Guidelines, 2015. Collection method: clinical testing. Allele origin: germline.

Natera, Inc.
Classification: Benign for Alpha-mannosidosis. Last evaluated: 2020-09-16. Review status: no assertion criteria provided. Collection method: clinical testing. Allele origin: germline. Not counted in ClinVar's aggregate classification.

Mayo Clinic Laboratories, Mayo Clinic
Classification: Benign. Last evaluated: 2015-10-23. Review status: no assertion criteria provided. Collection method: clinical testing. Allele origin: unknown. Not counted in ClinVar's aggregate classification.

Clinical Genetics, Academic Medical Center
Classification: Benign. Review status: no assertion criteria provided. Collection method: clinical testing. Allele origin: germline. Affected: yes. Study: VKGL Data-share Consensus. Not counted in ClinVar's aggregate classification.

Diagnostic Laboratory, Department of Genetics, University Medical Center Groningen
Classification: Benign for Deficiency of alpha-mannosidase. Review status: no assertion criteria provided. Collection method: clinical testing. Allele origin: germline. Affected: yes. Study: VKGL Data-share Consensus. Not counted in ClinVar's aggregate classification.

Genetic Services Laboratory, University of Chicago
Classification: Likely benign for AllHighlyPenetrant. Review status: no assertion criteria provided. Collection method: clinical testing. Allele origin: germline. Inheritance: Autosomal recessive inheritance. Not counted in ClinVar's aggregate classification.
Comment: Likely benign based on allele frequency in 1000 Genomes Project or ESP global frequency and its presence in a patient with a rare or unrelated disease phenotype. NOT Sanger confirmed.

Literature cited by the submitters: PubMed 15712269 (cited by Women's Health and Genetics/Laboratory Corporation of America, LabCorp).